The following is an entry in ClinVar:

NM_007194.4(CHEK2):c.1019A>G (p.Glu340Gly)

Gene: CHEK2 (checkpoint kinase 2; minus strand). Cytogenetic location: 22q12.1.
Variant type: single nucleotide variant.
Coding change: c.1019A>G on transcript NM_007194.4 (MANE Select); coding-DNA position 1019, A replaced by G.
Protein change: p.Glu340Gly; replaces glutamic acid 340 with glycine.
Molecular consequence: missense variant. On other transcripts: intron variant (3).
Genome position (GRCh38, 1-based): chr22:28,696,977, T>C on the plus strand (A>G on the coding strand, the complement: CHEK2 is on the minus strand). VCF-style: chr22-28696977-T-C. GRCh37 (hg19) VCF-style: chr22-29092965-T-C.
Other names: c.1148A>G, p.Glu383Gly (NM_001005735.3); c.356A>G, p.Glu119Gly (NM_001257387.3, NM_001437942.1); c.818A>G, p.Glu273Gly (NM_001349956.3); c.1112A>G, p.Glu371Gly (NM_001438293.1); c.1009-1104A>G (NM_145862.3); c.1102-1104A>G (NM_001438295.1); c.1138-1104A>G (NM_001438294.1); short protein forms E340G, E119G, E273G, E383G, E371G.
Identifiers: ClinVar variation 410068 (VCV000410068.10), dbSNP rs747655283, ClinGen allele CA10167743.

ClinVar aggregate classification (germline): Uncertain significance. Review status: criteria provided, multiple submitters, no conflicts (2 of 4 stars). 2 submissions from 2 submitters: Uncertain significance (2). Last evaluated 2025-06-24.

Conditions:
Hereditary cancer-predisposing syndrome. Also called: Tumor predisposition; Hereditary Cancer Syndrome; Hereditary neoplastic syndrome; Neoplastic Syndromes, Hereditary. Identifiers: Orphanet 140162, MedGen C0027672, MeSH D009386, MONDO:0015356.
Familial cancer of breast. Also called: BREAST CANCER, FAMILIAL; Hereditary breast cancer; hereditary breast carcinoma. Identifiers: Orphanet 227535, MedGen C0346153, MONDO:0016419, OMIM 114480. Disease mechanism: loss of function.

Allele frequency attached by ClinVar (database versions not stated): gnomAD exomes below 0.00001; TOPMed below 0.00001; ExAC 0.00001; gnomAD 0.00001.
gnomAD v4.1: 1 of 1,610,510 alleles (0.000062%); highest among the groups gnomAD compares: African/African-American, 0.0013%; no homozygotes.

Submissions (2):

Labcorp Genetics (formerly Invitae), Labcorp
Classification: Uncertain significance for Familial cancer of breast. Last evaluated: 2025-06-24. Review status: criteria provided, single submitter. Criteria: Invitae Variant Classification Sherloc (09022015). Collection method: clinical testing. Allele origin: germline.
Comment: This sequence change replaces glutamic acid, which is acidic and polar, with glycine, which is neutral and non-polar, at codon 340 of the CHEK2 protein (p.Glu340Gly). This variant is present in population databases (rs747655283, gnomAD 0.007%). This variant has not been reported in the literature in individuals affected with CHEK2-related conditions. ClinVar contains an entry for this variant (Variation ID: 410068). An algorithm developed to predict the effect of missense changes on protein structure and function (PolyPhen-2) suggests that this variant is likely to be disruptive. In summary, the available evidence is currently insufficient to determine the role of this variant in disease. Therefore, it has been classified as a Variant of Uncertain Significance.

Ambry Genetics
Classification: Uncertain significance for Hereditary cancer-predisposing syndrome. Last evaluated: 2024-02-29. Review status: criteria provided, single submitter. Criteria: Ambry Variant Classification Scheme 2023. Collection method: clinical testing. Allele origin: germline.
Comment: The p.E340G variant (also known as c.1019A>G), located in coding exon 9 of the CHEK2 gene, results from an A to G substitution at nucleotide position 1019. The glutamic acid at codon 340 is replaced by glycine, an amino acid with similar properties. This alteration was reported as functional in a study assessing CHEK2-complementation through quantification of KAP1 phosphorylation and CHK2 autophosphorylation in human RPE1-CHEK2-knockout cells (Stolarova L et al. Clin Cancer Res, 2023 Aug;29:3037-3050). This amino acid position is well conserved in available vertebrate species. In addition, this alteration is predicted to be tolerated by in silico analysis. Based on the available evidence, the clinical significance of this alteration remains unclear.

Literature cited by the submitters: PubMed 37449874 (cited by Ambry Genetics).